The following is an entry in ClinVar:

NM_000520.6(HEXA):c.72G>T (p.Trp24Cys)

Gene: HEXA (hexosaminidase subunit alpha; minus strand). Cytogenetic location: 15q23.
Variant type: single nucleotide variant.
Coding change: c.72G>T on transcript NM_000520.6 (MANE Select); coding-DNA position 72, G replaced by T.
Protein change: p.Trp24Cys; replaces tryptophan 24 with cysteine.
Molecular consequence: missense variant. On other transcripts: non-coding transcript variant (1).
Genome position (GRCh38, 1-based): chr15:72,375,901, C>A on the plus strand (G>T on the coding strand, the complement: HEXA is on the minus strand). VCF-style: chr15-72375901-C-A. GRCh37 (hg19) VCF-style: chr15-72668242-C-A.
Other names: c.72G>T, p.Trp24Cys (NM_001318825.2); short protein forms W24C.
Identifiers: ClinVar variation 493161 (VCV000493161.47), dbSNP rs1555475519, ClinGen allele CA393070656.
Genomic context (GRCh38, chr15:72,375,901, plus strand): 5'-AAAGTTGTTCGGGTAAAGGACGTAGCGCTGGTCGGAGGTTTGGAAGTTCTGAGGCCAGGG[C>A]CAGAGGGCCGTCGCCCGTCCTGCGAACGCTGCCGCCAGCAGCAGCGAAAACCAAAGCCTG-3'
Protein context (NP_000511.2, residues 14-34): AAFAGRATAL[Trp24Cys]PWPQNFQTSD

ClinVar aggregate classification (germline): Uncertain significance. Review status: criteria provided, multiple submitters, no conflicts (2 of 4 stars). 3 submissions from 3 submitters: Uncertain significance (2). 1 of the submissions does not count toward it. Last evaluated 2021-08-28.

Conditions:
Tay-Sachs disease (TSD). Also called: GM2 gangliosidosis, type 1; Hexosaminidase alpha-subunit deficiency (variant B); Sphingolipidosis, Tay-Sachs; HEXA DEFICIENCY; Hexosaminidase A Deficiency; HEXA Disorders. Identifiers: Orphanet 845, MedGen C0039373, MONDO:0010100, OMIM 272800.

Allele frequency attached by ClinVar (database versions not stated): TOPMed below 0.00001; gnomAD exomes 0.00001.
gnomAD v4.1: 14 of 1,614,214 alleles (0.00087%); highest among the groups gnomAD compares: Non-Finnish European, 0.001%; no homozygotes.

Submissions (3):

Labcorp Genetics (formerly Invitae), Labcorp
Classification: Uncertain significance for Tay-Sachs disease. Last evaluated: 2021-08-28. Review status: criteria provided, single submitter. Criteria: Invitae Variant Classification Sherloc (09022015). Collection method: clinical testing. Allele origin: germline.
Comment: This sequence change replaces tryptophan with cysteine at codon 24 of the HEXA protein (p.Trp24Cys). The tryptophan residue is highly conserved and there is a large physicochemical difference between tryptophan and cysteine. This variant is not present in population databases (ExAC no frequency). This variant has not been reported in the literature in individuals affected with HEXA-related conditions. ClinVar contains an entry for this variant (Variation ID: 493161). Algorithms developed to predict the effect of missense changes on protein structure and function are either unavailable or do not agree on the potential impact of this missense change (SIFT: "Deleterious"; PolyPhen-2: "Possibly Damaging"; Align-GVGD: "Class C0"). In summary, the available evidence is currently insufficient to determine the role of this variant in disease. Therefore, it has been classified as a Variant of Uncertain Significance.

CeGaT Center for Human Genetics Tuebingen
Classification: Uncertain significance. Last evaluated: 2017-08-01. Review status: criteria provided, single submitter. Criteria: CeGaT Center For Human Genetics Tuebingen Variant Classification Criteria Version 2. Collection method: clinical testing. Allele origin: germline. Affected: yes. Observed: 1 variant allele.

Natera, Inc.
Classification: Uncertain significance for Tay-Sachs disease. Last evaluated: 2020-09-16. Review status: no assertion criteria provided. Collection method: clinical testing. Allele origin: germline. Not counted in ClinVar's aggregate classification.